The following is an entry in ClinVar:

ClinVar aggregate classification (germline): Uncertain significance (1 of 4 stars; one submission).

Allele frequency attached by ClinVar (database versions not stated): gnomAD exomes below 0.00001.
gnomAD v4.1: 2 of 1,558,722 alleles (0.00013%); highest among the groups gnomAD compares: Admixed American, 0.0037%; no homozygotes.

Submission:

GeneDx
Classification: Uncertain significance. Last evaluated: 2022-03-30. Review status: criteria provided, single submitter. Criteria: GeneDx Variant Classification Process June 2021. Collection method: clinical testing. Allele origin: germline. Affected: yes.
Comment: In silico analysis supports that this missense variant has a deleterious effect on protein structure/function; Has not been previously published as pathogenic or benign to our knowledge

NM_004618.5(TOP3A):c.1280A>G (p.Gln427Arg)

Gene: TOP3A (DNA topoisomerase III alpha; minus strand). Cytogenetic location: 17p11.2.
Variant type: single nucleotide variant.
Coding change: c.1280A>G on transcript NM_004618.5 (MANE Select); coding-DNA position 1280, A replaced by G.
Protein change: p.Gln427Arg; replaces glutamine 427 with arginine.
Molecular consequence: missense variant.
Genome position (GRCh38, 1-based): chr17:18,292,646, T>C on the plus strand (A>G on the coding strand, the complement: TOP3A is on the minus strand). VCF-style: chr17-18292646-T-C. GRCh37 (hg19) VCF-style: chr17-18195960-T-C.
Other names: c.995A>G, p.Gln332Arg (NM_001320759.2); short protein forms Q332R, Q427R.
Identifiers: ClinVar variation 1707724 (VCV001707724.2), dbSNP rs1458278374, ClinGen allele CA398632728.